The following is an entry in ClinVar:

ClinVar aggregate classification (germline): Pathogenic. Review status: criteria provided, multiple submitters, no conflicts (2 of 4 stars). 3 submissions from 3 submitters: Pathogenic (2). 1 of the submissions does not count toward it. Last evaluated 2026-02-05.

Conditions:
Retinal disorder. Also called: Retinal disorders; Retinopathy; Retinopathies; Retinal Diseases. Identifiers: MedGen C0035309, MONDO:0005283, HP:0000488.
Retinal dystrophy. Also called: Inherited retinal dystrophy. Identifiers: Orphanet 71862, MedGen C0854723, MeSH D058499, MONDO:0019118, HP:0000556.

Submissions (3):

Genetics Laboratory, Great Ormond Street Hospital NHS Foundation Trust, North Thames Genomic Laboratory Hub
Classification: Pathogenic for Retinal disorders. Last evaluated: 2026-02-05. Review status: criteria provided, single submitter. Criteria: ACGS Best Practice Guidelines for Variant Classification in Rare Disease 2024 v1.2. Collection method: clinical testing. Allele origin: germline. Affected: yes.
Comment: PM2_moderate, PVS1_very-strong

Labcorp Genetics (formerly Invitae), Labcorp
Classification: Pathogenic. Last evaluated: 2022-04-07. Review status: criteria provided, single submitter. Criteria: Invitae Variant Classification Sherloc (09022015). Collection method: clinical testing. Allele origin: germline.
Comment: This sequence change creates a premature translational stop signal (p.Gly892Aspfs*17) in the COL18A1 gene. It is expected to result in an absent or disrupted protein product. Loss-of-function variants in COL18A1 are known to be pathogenic (PMID: 12415512, 25456301). The frequency data for this variant in the population databases is considered unreliable, as metrics indicate poor data quality at this position in the gnomAD database. This premature translational stop signal has been observed in individual(s) with COL18A1-related conditions (PMID: 32581362). This variant is also known as c.3213delC (p.Gly1072AspfsTer17). ClinVar contains an entry for this variant (Variation ID: 438062). For these reasons, this variant has been classified as Pathogenic.

NIHR Bioresource Rare Diseases, University of Cambridge
Classification: Likely pathogenic for Retinal dystrophy. Last evaluated: 2015-01-01. Review status: no assertion criteria provided. Collection method: research. Allele origin: unknown. Affected: yes. Observed: 1 variant allele. Not counted in ClinVar's aggregate classification.

Literature cited by the submitters: PubMed 12415512 (cited by Labcorp Genetics (formerly Invitae), Labcorp); PubMed 25456301 (cited by Labcorp Genetics (formerly Invitae), Labcorp); PubMed 32581362 (cited by Labcorp Genetics (formerly Invitae), Labcorp); PubMed 28041643 (cited by NIHR Bioresource Rare Diseases, University of Cambridge).

NM_001379500.1(COL18A1):c.2673del (p.Gly892fs)

Gene: COL18A1 (collagen type XVIII alpha 1 chain; plus strand). Cytogenetic location: 21q22.3.
Variant type: Deletion.
Coding change: c.2673del on transcript NM_001379500.1 (MANE Select); coding-DNA position 2673, one base deleted (C; older notation c.2673delC).
Protein change: p.Gly892fs; shifts the reading frame from glycine 892.
Molecular consequence: frameshift variant.
Genome position (GRCh38, 1-based): chr21:45,497,651, C deleted; the last of 7 consecutive C bases (chr21:45,497,645-45,497,651); deleting any one gives the same sequence. VCF-style (leftmost placement, unchanged base first): chr21-45497644-GC-G. GRCh37 (hg19) VCF-style: chr21-46917558-GC-G.
Other names: c.3213del, p.Gly1072fs (NM_030582.4); c.3918del, p.Gly1307fs (NM_130444.3); short protein forms G1307fs, G1072fs.
Identifiers: ClinVar variation 438062 (VCV000438062.8), dbSNP rs749009747, ClinGen allele CA10067260.